The following is an entry in ClinVar:

ClinVar aggregate classification (germline): Uncertain significance. Review status: criteria provided, multiple submitters, no conflicts (2 of 4 stars). 2 submissions from 2 submitters: Uncertain significance (2). Last evaluated 2025-12-17.

Conditions:
Dyskeratosis congenita, autosomal dominant 1 (DKCA1). Also called: Dyskeratosis congenita Scoggins type. Identifiers: Orphanet 1775, MedGen C4551974, MONDO:0007485, OMIM 127550. Inheritance: Variable.
TERC-related disorder. Also called: TERC-related condition.

Allele frequency attached by ClinVar (database versions not stated): gnomAD 0.00001 and 0.00002; TOPMed 0.00001; gnomAD exomes 0.00002 and 0.00005; ExAC 0.00007; 1000 Genomes Project 30x 0.00016.
gnomAD v4.1: 13 of 740,124 alleles (0.0018%); highest among the groups gnomAD compares: Admixed American, 0.02%; no homozygotes.

Submissions (2):

Labcorp Genetics (formerly Invitae), Labcorp
Classification: Uncertain significance for Dyskeratosis congenita, autosomal dominant 1. Last evaluated: 2025-12-17. Review status: criteria provided, single submitter. Criteria: Invitae Variant Classification Sherloc (09022015). Collection method: clinical testing. Allele origin: germline.
Comment: This variant occurs in the TERC gene, which encodes an RNA molecule that does not result in a protein product. This variant is present in population databases (rs776511480, gnomAD 0.03%). This variant has not been reported in the literature in individuals affected with TERC-related conditions. ClinVar contains an entry for this variant (Variation ID: 534182). This variant is located within the conserved regions 4 and 5 (CR4-CR5) domain of the TERC RNA component, which is required for telomerase activity (PMID: 15082312, 21844345). In summary, the available evidence is currently insufficient to determine the role of this variant in disease. Therefore, it has been classified as a Variant of Uncertain Significance.

PreventionGenetics, part of Exact Sciences
Classification: Uncertain significance for TERC-related condition. Last evaluated: 2025-08-21. Review status: criteria provided, single submitter. Criteria: ACMG Guidelines, 2015. Collection method: clinical testing. Allele origin: germline.
Comment: The TERC n.280G>C is a noncoding alteration. This variant occurs upstream of the TERC gene. To our knowledge, this variant has not been reported in the literature. However, single nucleotide variants in TERC promoter elements have been previously associated with disease (Keith et al. 2004. PubMed ID: 15212690; Aalbers et al. 2012. PubMed ID: 22323451). This variant is reported in 0.027% of alleles in individuals of Latino descent in gnomAD. At this time, the clinical significance of this variant is uncertain due to the absence of conclusive functional and genetic evidence.

Literature cited by the submitters: PubMed 15082312 (cited by Labcorp Genetics (formerly Invitae), Labcorp); PubMed 21844345 (cited by Labcorp Genetics (formerly Invitae), Labcorp).

NR_001566.3(TERC):n.280G>C

Genes: TERC (telomerase RNA component; minus strand), LOC110806306 (telomerase RNA component (TERC) promoter; plus strand). Cytogenetic location: 3q26.2.
Variant type: single nucleotide variant.
Genome position: GRCh38 VCF-style: chr3-169764781-C-G. GRCh37 (hg19) VCF-style: chr3-169482569-C-G.
Identifiers: ClinVar variation 534182 (VCV000534182.12), dbSNP rs776511480, ClinGen allele CA2696802.